The following is an entry in ClinVar:

NM_032043.3(BRIP1):c.2366T>G (p.Val789Gly)

Gene: BRIP1 (BRCA1 interacting DNA helicase 1; minus strand). Cytogenetic location: 17q23.2.
Variant type: single nucleotide variant.
Coding change: c.2366T>G on transcript NM_032043.3 (MANE Select); coding-DNA position 2366, T replaced by G.
Protein change: p.Val789Gly; replaces valine 789 with glycine.
Molecular consequence: missense variant.
Genome position (GRCh38, 1-based): chr17:61,743,026, A>C on the plus strand (T>G on the coding strand, the complement: BRIP1 is on the minus strand). VCF-style: chr17-61743026-A-C. GRCh37 (hg19) VCF-style: chr17-59820387-A-C.
Other names: short protein forms V789G.
Identifiers: ClinVar variation 5033416 (VCV005033416.1).

ClinVar aggregate classification (germline): Uncertain significance (1 of 4 stars; one submission).

Conditions:
Hereditary cancer-predisposing syndrome. Also called: Neoplastic Syndromes, Hereditary; Tumor predisposition; Hereditary neoplastic syndrome; Hereditary Cancer Syndrome. Identifiers: Orphanet 140162, MedGen C0027672, MeSH D009386, MONDO:0015356.

Submission:

Ambry Genetics
Classification: Uncertain significance for Hereditary cancer-predisposing syndrome. Last evaluated: 2026-07-07. Review status: criteria provided, single submitter. Criteria: Ambry Variant Classification Scheme 2023. Collection method: clinical testing. Allele origin: germline.
Comment: The p.V789G variant (also known as c.2366T>G), located in coding exon 15 of the BRIP1 gene, results from a T to G substitution at nucleotide position 2366. The valine at codon 789 is replaced by glycine, an amino acid with dissimilar properties. This amino acid position is conserved. In addition, this alteration is predicted to be deleterious by in silico analysis. Based on the available evidence, the clinical significance of this variant remains unclear.